The following is an entry in ClinVar:

ClinVar aggregate classification (germline): Uncertain significance. Review status: criteria provided, multiple submitters, no conflicts (2 of 4 stars). 3 submissions from 3 submitters: Uncertain significance (3). Last evaluated 2025-09-19.

Conditions:
Charcot-Marie-Tooth disease axonal type 2O. Also called: CHARCOT-MARIE-TOOTH NEUROPATHY, AXONAL, TYPE 2O; CHARCOT-MARIE-TOOTH DISEASE, AXONAL, AUTOSOMAL DOMINANT, TYPE 2O; Charcot-Marie-Tooth disease, axonal, type 20; Charcot-Marie-Tooth Neuropathy Type 2O. Identifiers: Orphanet 284232, MedGen C3280220, MONDO:0013644, OMIM 614228.
Inborn genetic diseases. Identifiers: MedGen C0950123, MeSH D030342.

Submissions (3):

GeneDx
Classification: Uncertain significance. Last evaluated: 2025-09-19. Review status: criteria provided, single submitter. Criteria: GeneDx Variant Classification Process June 2021. Collection method: clinical testing. Allele origin: germline. Affected: yes.
Comment: Not observed at significant frequency in large population cohorts (gnomAD); In silico analysis suggests that this missense variant does not alter protein structure/function; Has not been previously published as pathogenic or benign to our knowledge; This variant is associated with the following publications: (PMID: 25609763, 25512093, 26100331)

Ambry Genetics
Classification: Uncertain significance for Inborn genetic diseases. Last evaluated: 2025-08-11. Review status: criteria provided, single submitter. Criteria: Ambry Variant Classification Scheme 2023. Collection method: clinical testing. Allele origin: germline.

Labcorp Genetics (formerly Invitae), Labcorp
Classification: Uncertain significance for Charcot-Marie-Tooth disease axonal type 2O. Last evaluated: 2024-09-20. Review status: criteria provided, single submitter. Criteria: Invitae Variant Classification Sherloc (09022015). Collection method: clinical testing. Allele origin: germline.
Comment: This sequence change replaces valine, which is neutral and non-polar, with leucine, which is neutral and non-polar, at codon 1319 of the DYNC1H1 protein (p.Val1319Leu). This variant is not present in population databases (gnomAD no frequency). This variant has not been reported in the literature in individuals affected with DYNC1H1-related conditions. ClinVar contains an entry for this variant (Variation ID: 1308161). Invitae Evidence Modeling of protein sequence and biophysical properties (such as structural, functional, and spatial information, amino acid conservation, physicochemical variation, residue mobility, and thermodynamic stability) indicates that this missense variant is not expected to disrupt DYNC1H1 protein function with a negative predictive value of 95%. In summary, the available evidence is currently insufficient to determine the role of this variant in disease. Therefore, it has been classified as a Variant of Uncertain Significance.

NM_001376.5(DYNC1H1):c.3955G>C (p.Val1319Leu)

Gene: DYNC1H1 (dynein cytoplasmic 1 heavy chain 1; plus strand). Cytogenetic location: 14q32.31.
Variant type: single nucleotide variant.
Coding change: c.3955G>C on transcript NM_001376.5 (MANE Select); coding-DNA position 3955, G replaced by C.
Protein change: p.Val1319Leu; replaces valine 1319 with leucine.
Molecular consequence: missense variant.
Genome position (GRCh38, 1-based): chr14:102,000,139, G>C. VCF-style: chr14-102000139-G-C. GRCh37 (hg19) VCF-style: chr14-102466476-G-C.
Other names: short protein forms V1319L.
Identifiers: ClinVar variation 1308161 (VCV001308161.6), dbSNP rs370976687, ClinGen allele CA391038840.
Genomic context (GRCh38, chr14:102,000,139, plus strand): 5'-AAGGCCAAGGAGGCGCTGGAATTGACAGATACTGGGCTTCTCAGTGGCAGTGAAGAGCGC[G>C]TGCAGGTATGAACCACTGGGGAGTGGGTGGAGAATCCCGCTCCCCACCCGGACTCTGCCA-3'
Protein context (NP_001367.2, residues 1309-1329): TGLLSGSEER[Val1319Leu]QVALEELQDL